The following is an entry in ClinVar:

NM_032806.6(POMGNT2):c.762G>A (p.Lys254=)

Gene: POMGNT2 (protein O-linked mannose N-acetylglucosaminyltransferase 2 (beta 1,4-); minus strand). Cytogenetic location: 3p22.1.
Variant type: single nucleotide variant.
Coding change: c.762G>A on transcript NM_032806.6 (MANE Select); coding-DNA position 762, G replaced by A.
Protein change: p.Lys254=; no amino-acid change (lysine 254 retained).
Molecular consequence: synonymous variant.
Genome position (GRCh38, 1-based): chr3:43,080,670, C>T on the plus strand (G>A on the coding strand, the complement: POMGNT2 is on the minus strand). VCF-style: chr3-43080670-C-T. GRCh37 (hg19) VCF-style: chr3-43122162-C-T.
Identifiers: ClinVar variation 473283 (VCV000473283.36), dbSNP rs115870061, ClinGen allele CA2340001.

ClinVar aggregate classification (germline): Benign/Likely benign. Review status: criteria provided, multiple submitters, no conflicts (2 of 4 stars). 4 submissions from 4 submitters: Benign (3); Likely benign (1). Last evaluated 2026-01-20.

Conditions:
Muscular dystrophy-dystroglycanopathy (congenital with brain and eye anomalies), type a, 8 (MDDGA8). Also called: WALKER-WARBURG SYNDROME OR MUSCLE-EYE-BRAIN DISEASE, GTDC2-RELATED. Identifiers: Orphanet 899, MedGen C3553813, MONDO:0013904, OMIM 614830.

Allele frequency attached by ClinVar (database versions not stated): gnomAD exomes 0.00105; ExAC 0.00149; gnomAD 0.00410 and 0.00429; 1000 Genomes Project 30x 0.00453; 1000 Genomes Project 0.00499; TOPMed 0.00503; ESP Exome Variant Server 0.00538.
gnomAD v4.1: 1,253 of 1,614,206 alleles (0.078%); highest among the groups gnomAD compares: African/African-American, 1.4%; 11 homozygotes.

Submissions (4):

Labcorp Genetics (formerly Invitae), Labcorp
Classification: Benign for Muscular dystrophy-dystroglycanopathy (congenital with brain and eye anomalies), type a, 8. Last evaluated: 2026-01-20. Review status: criteria provided, single submitter. Criteria: Invitae Variant Classification Sherloc (09022015). Collection method: clinical testing. Allele origin: germline.

CeGaT Center for Human Genetics Tuebingen
Classification: Likely benign. Last evaluated: 2024-10-01. Review status: criteria provided, single submitter. Criteria: CeGaT Center For Human Genetics Tuebingen Variant Classification Criteria Version 2. Collection method: clinical testing. Allele origin: germline. Affected: yes. Observed: 3 variant alleles.
Comment: POMGNT2: BP4, BP7, BS1

GeneDx
Classification: Benign. Last evaluated: 2017-09-15. Review status: criteria provided, single submitter. Criteria: GeneDx Variant Classification (06012015). Collection method: clinical testing. Allele origin: germline. Affected: yes.
Comment: This variant is considered likely benign or benign based on one or more of the following criteria: it is a conservative change, it occurs at a poorly conserved position in the protein, it is predicted to be benign by multiple in silico algorithms, and/or has population frequency not consistent with disease.

Breakthrough Genomics
Classification: Benign. Review status: criteria provided, single submitter. Criteria: ACMG Guidelines, 2015. Collection method: not provided. Allele origin: germline. Inheritance: Autosomal recessive inheritance. Affected: yes.